The following is an entry in ClinVar:

NM_000218.3(KCNQ1):c.1514+1G>A

Genes: KCNQ1 (potassium voltage-gated channel subfamily Q member 1; plus strand), KCNQ1OT1 (KCNQ1 opposite strand/antisense transcript 1; minus strand). Cytogenetic location: 11p15.5.
Variant type: single nucleotide variant.
Coding change: c.1514+1G>A on transcript NM_000218.3 (MANE Select); the canonical splice donor site of the intron after coding-DNA position 1514, G replaced by A.
Molecular consequence: splice donor variant.
Genome position (GRCh38, 1-based): chr11:2,662,082, G>A. VCF-style: chr11-2662082-G-A. GRCh37 (hg19) VCF-style: chr11-2683312-G-A.
Other names: c.1244+1G>A (NM_001406837.1); c.1418+1G>A (NM_001406836.1); c.974+1G>A (NM_001406838.1); c.1133+1G>A (NM_181798.2).
Identifiers: ClinVar variation 52986 (VCV000052986.7), dbSNP rs397508093, ClinGen allele CA005829.
Genomic context (GRCh38, chr11:2,662,082, plus strand): 5'-CGCCGAGGACCTGGACCTGGAAGGGGAGACTCTGCTGACACCCATCACCCACATCTCACA[G>A]TGAGTGCCTACATGTGCGTGAAGGGCTGGGCTGGAGGGGACTGGAGCTCAAGGAGTCAGA-3'

ClinVar aggregate classification (germline): Pathogenic. Review status: criteria provided, single submitter (1 of 4 stars). 2 submissions from 2 submitters: Pathogenic (1). 1 of the submissions does not count toward it. Last evaluated 2017-12-12.

Conditions:
Long QT syndrome 1 (LQT1). Identifiers: Orphanet 101016, Orphanet 768, MedGen C4551647, MONDO:0100316, OMIM 192500, MONDO:0008646.
Cardiovascular phenotype. Identifiers: MedGen CN230736.

Submissions (2):

Ambry Genetics
Classification: Pathogenic for Cardiovascular phenotype. Last evaluated: 2017-12-12. Review status: criteria provided, single submitter. Criteria: Ambry Variant Classification Scheme 2023. Collection method: clinical testing. Allele origin: germline.
Comment: The c.1514+1G>A intronic pathogenic mutation results from a G to A substitution one nucleotide after coding exon 11 of the KCNQ1 gene, and is located in the C-terminal domain. This alteration has been reported in a long QT syndrome (LQTS) cohort (Napolitano C et al. JAMA, 2005 Dec;294:2975-80). In addition to the clinical data presented in the literature, alterations that disrupt the canonical splice site are expected to cause aberrant splicing, resulting in an abnormal protein or a transcript that is subject to nonsense-mediated mRNA decay. As such, this alteration is classified as a disease-causing mutation.

ClinVar Staff, National Center for Biotechnology Information (NCBI)
No classification provided. Condition: Long QT syndrome, LQT1 subtype. Review status: no classification provided. Collection method: literature only. Allele origin: germline. Affected: yes. Not counted in ClinVar's aggregate classification.

Literature cited by the submitters: PubMed 16414944 (cited by Ambry Genetics and ClinVar Staff, National Center for Biotechnology Information (NCBI)).